The following is an entry in ClinVar:

NM_001040105.2(MUC17):c.1035G>A (p.Pro345=)

Gene: MUC17 (mucin 17, cell surface associated; plus strand). Cytogenetic location: 7q22.1.
Variant type: single nucleotide variant.
Coding change: c.1035G>A on transcript NM_001040105.2 (MANE Select); coding-DNA position 1035, G replaced by A.
Protein change: p.Pro345=; no amino-acid change (proline 345 retained).
Molecular consequence: synonymous variant. On other transcripts: non-coding transcript variant (1).
Genome position (GRCh38, 1-based): chr7:101,032,451, G>A. VCF-style: chr7-101032451-G-A. GRCh37 (hg19) VCF-style: chr7-100675732-G-A.
Identifiers: ClinVar variation 2657835 (VCV002657835.24), dbSNP rs368047713, ClinGen allele CA4400964.

ClinVar aggregate classification (germline): Likely benign (1 of 4 stars; one submission).

Allele frequency attached by ClinVar (database versions not stated): gnomAD 0.00003; TOPMed 0.00005; ESP Exome Variant Server 0.00015; 1000 Genomes Project 30x 0.00031.
gnomAD v4.1: 61 of 1,613,398 alleles (0.0038%); highest among the groups gnomAD compares: Middle Eastern, 0.017%; no homozygotes.

Submission:

CeGaT Center for Human Genetics Tuebingen
Classification: Likely benign. Last evaluated: 2022-10-01. Review status: criteria provided, single submitter. Criteria: CeGaT Center For Human Genetics Tuebingen Variant Classification Criteria Version 2. Collection method: clinical testing. Allele origin: germline. Affected: yes. Observed: 1 variant allele.
Comment: MUC17: BP4, BP7